The following is an entry in ClinVar:

ClinVar aggregate classification (germline): Uncertain significance (1 of 4 stars; one submission).

Allele frequency attached by ClinVar (database versions not stated): gnomAD exomes below 0.00001; gnomAD 0.00001; TOPMed 0.00001.
gnomAD v4.1: 9 of 1,614,104 alleles (0.00056%); highest among the groups gnomAD compares: East Asian, 0.018%; no homozygotes.

Submission:

Labcorp Genetics (formerly Invitae), Labcorp
Classification: Uncertain significance. Last evaluated: 2022-03-25. Review status: criteria provided, single submitter. Criteria: Invitae Variant Classification Sherloc (09022015). Collection method: clinical testing. Allele origin: germline.
Comment: This sequence change replaces serine, which is neutral and polar, with glycine, which is neutral and non-polar, at codon 1070 of the TRRAP protein (p.Ser1070Gly). This variant is present in population databases (rs55920979, gnomAD 0.03%). This variant has not been reported in the literature in individuals affected with TRRAP-related conditions. Algorithms developed to predict the effect of missense changes on protein structure and function are either unavailable or do not agree on the potential impact of this missense change (SIFT: "Deleterious"; PolyPhen-2: "Benign"; Align-GVGD: "Class C0"). In summary, the available evidence is currently insufficient to determine the role of this variant in disease. Therefore, it has been classified as a Variant of Uncertain Significance.

NM_001375524.1(TRRAP):c.3208A>G (p.Ser1070Gly)

Gene: TRRAP (transformation/transcription domain associated protein; plus strand). Cytogenetic location: 7q22.1.
Variant type: single nucleotide variant.
Coding change: c.3208A>G on transcript NM_001375524.1 (MANE Select); coding-DNA position 3208, A replaced by G.
Protein change: p.Ser1070Gly; replaces serine 1070 with glycine.
Molecular consequence: missense variant.
Genome position (GRCh38, 1-based): chr7:98,930,021, A>G. VCF-style: chr7-98930021-A-G. GRCh37 (hg19) VCF-style: chr7-98527644-A-G.
Other names: c.3208A>G, p.Ser1070Gly (NM_001244580.2, NM_003496.4); short protein forms S1070G.
Identifiers: ClinVar variation 2070514 (VCV002070514.1), dbSNP rs55920979, ClinGen allele CA163078136.